The following is an entry in ClinVar:

ClinVar aggregate classification (germline): Uncertain significance. Review status: criteria provided, multiple submitters, no conflicts (2 of 4 stars). 2 submissions from 2 submitters: Uncertain significance (2). Last evaluated 2025-10-03.

Conditions:
Ehlers-Danlos syndrome, classic type, 1 (EDSCL1). Also called: EDS I; EHLERS-DANLOS SYNDROME, GRAVIS TYPE; EHLERS-DANLOS SYNDROME, SEVERE CLASSIC TYPE; Ehlers-Danlos syndrome, type 1; Ehlers-Danlos Syndrome, Classic Type, COL5A1-Related. Identifiers: MedGen C0268335, MONDO:0019567, OMIM 130000.

Submissions (2):

Women's Health and Genetics/Laboratory Corporation of America, LabCorp
Classification: Uncertain significance. Last evaluated: 2025-10-03. Review status: criteria provided, single submitter. Criteria: LabCorp Variant Classification Summary - May 2015. Collection method: clinical testing. Allele origin: germline.
Comment: Variant summary: COL5A1 c.4039C>G (p.Pro1347Ala) results in a non-conservative amino acid change in the encoded protein sequence. Algorithms developed to predict the effect of missense changes on protein structure and function all suggest that this variant is likely to be disruptive. The variant was absent in 249104 control chromosomes. The available data on variant occurrences in the general population are insufficient to allow any conclusion about variant significance. To our knowledge, no occurrence of c.4039C>G in individuals affected with COL5A1-related conditions and no experimental evidence demonstrating its impact on protein function have been reported. ClinVar contains an entry for this variant (Variation ID: 2897717). Based on the evidence outlined above, the variant was classified as uncertain significance.

Labcorp Genetics (formerly Invitae), Labcorp
Classification: Uncertain significance for Ehlers-Danlos syndrome, classic type, 1. Last evaluated: 2023-10-14. Review status: criteria provided, single submitter. Criteria: Invitae Variant Classification Sherloc (09022015). Collection method: clinical testing. Allele origin: germline.
Comment: This sequence change replaces proline, which is neutral and non-polar, with alanine, which is neutral and non-polar, at codon 1347 of the COL5A1 protein (p.Pro1347Ala). This variant is not present in population databases (gnomAD no frequency). This variant has not been reported in the literature in individuals affected with COL5A1-related conditions. Advanced modeling of protein sequence and biophysical properties (such as structural, functional, and spatial information, amino acid conservation, physicochemical variation, residue mobility, and thermodynamic stability) performed at Invitae indicates that this missense variant is not expected to disrupt COL5A1 protein function. In summary, the available evidence is currently insufficient to determine the role of this variant in disease. Therefore, it has been classified as a Variant of Uncertain Significance.

NM_000093.5(COL5A1):c.4039C>G (p.Pro1347Ala)

Gene: COL5A1 (collagen type V alpha 1 chain; plus strand). Cytogenetic location: 9q34.3.
Variant type: single nucleotide variant.
Coding change: c.4039C>G on transcript NM_000093.5 (MANE Select); coding-DNA position 4039, C replaced by G.
Protein change: p.Pro1347Ala; replaces proline 1347 with alanine.
Molecular consequence: missense variant.
Genome position (GRCh38, 1-based): chr9:134,815,600, C>G. VCF-style: chr9-134815600-C-G. GRCh37 (hg19) VCF-style: chr9-137707446-C-G.
Other names: c.4039C>G, p.Pro1347Ala (NM_001278074.1); short protein forms P1347A.
Identifiers: ClinVar variation 2897717 (VCV002897717.4), dbSNP rs769470285, ClinGen allele CA375456256.
Genomic context (GRCh38, chr9:134,815,600, plus strand): 5'-GATGGCCTTGGCTGCTTCCTTCTTTCTTCCTTTCAGGGCCCAGTGGGTTTTCCTGGAGAT[C>G]CTGGCCCCCCCGGAGAGCCTGGCCCCGCGGTAGGTGCTCAAGAGGGCAAAGCCACCGGAT-3'
Protein context (NP_000084.3, residues 1337-1357): SPGPVGFPGD[Pro1347Ala]GPPGEPGPAG